The following is an entry in ClinVar:

ClinVar aggregate classification (germline): Uncertain significance (1 of 4 stars; one submission).

Submission:

GeneDx
Classification: Uncertain significance. Last evaluated: 2023-05-11. Review status: criteria provided, single submitter. Criteria: GeneDx Variant Classification Process June 2021. Collection method: clinical testing. Allele origin: germline. Affected: yes.
Comment: Not observed at significant frequency in large population cohorts (gnomAD); In silico analysis supports that this missense variant has a deleterious effect on protein structure/function; Has not been previously published as pathogenic or benign to our knowledge

NM_006922.4(SCN3A):c.4799C>T (p.Ser1600Phe)

Gene: SCN3A (sodium voltage-gated channel alpha subunit 3; minus strand). Cytogenetic location: 2q24.3.
Variant type: single nucleotide variant.
Coding change: c.4799C>T on transcript NM_006922.4 (MANE Select); coding-DNA position 4799, C replaced by T.
Protein change: p.Ser1600Phe; replaces serine 1600 with phenylalanine.
Molecular consequence: missense variant.
Genome position (GRCh38, 1-based): chr2:165,092,262, G>A on the plus strand (C>T on the coding strand, the complement: SCN3A is on the minus strand). VCF-style: chr2-165092262-G-A. GRCh37 (hg19) VCF-style: chr2-165948772-G-A.
Other names: c.4652C>T, p.Ser1551Phe (NM_001081676.2, NM_001081677.2); short protein forms S1551F, S1600F.
Identifiers: ClinVar variation 2662307 (VCV002662307.1), dbSNP rs2468046391, ClinGen allele CA349018699.